The following is an entry in ClinVar:

ClinVar aggregate classification (germline): Pathogenic/Likely pathogenic. Review status: criteria provided, multiple submitters, no conflicts (2 of 4 stars). 2 submissions from 2 submitters: Pathogenic (1); Likely pathogenic (1). Last evaluated 2023-03-22.

Conditions:
Alpha-1-antitrypsin deficiency (A1ATD). Also called: Alpha1-Antitrypsin Deficiency; AAT deficiency; A1AT deficiency. Identifiers: Orphanet 60, MedGen C0221757, MONDO:0013282, OMIM 613490.

Submissions (2):

Labcorp Genetics (formerly Invitae), Labcorp
Classification: Pathogenic for Alpha-1-antitrypsin deficiency. Last evaluated: 2023-03-22. Review status: criteria provided, single submitter. Criteria: Invitae Variant Classification Sherloc (09022015). Collection method: clinical testing. Allele origin: germline.
Comment: For these reasons, this variant has been classified as Pathogenic. This variant has not been reported in the literature in individuals affected with SERPINA1-related conditions. This variant is not present in population databases (gnomAD no frequency). This sequence change creates a premature translational stop signal (p.Lys159*) in the SERPINA1 gene. It is expected to result in an absent or disrupted protein product. Loss-of-function variants in SERPINA1 are known to be pathogenic (PMID: 25425243).

Baylor Genetics
Classification: Likely pathogenic for Alpha-1-antitrypsin deficiency. Last evaluated: 2021-11-02. Review status: criteria provided, single submitter. Criteria: ACMG Guidelines, 2015. Collection method: clinical testing. Allele origin: unknown.

Literature cited by the submitters: PubMed 25425243 (cited by Labcorp Genetics (formerly Invitae), Labcorp).

NM_000295.5(SERPINA1):c.475A>T (p.Lys159Ter)

Gene: SERPINA1 (serpin family A member 1; minus strand). Cytogenetic location: 14q32.13.
Variant type: single nucleotide variant.
Coding change: c.475A>T on transcript NM_000295.5 (MANE Select); coding-DNA position 475, A replaced by T.
Protein change: p.Lys159Ter; replaces lysine 159 with a stop codon.
Molecular consequence: nonsense.
Genome position (GRCh38, 1-based): chr14:94,382,763, T>A on the plus strand (A>T on the coding strand, the complement: SERPINA1 is on the minus strand). VCF-style: chr14-94382763-T-A. GRCh37 (hg19) VCF-style: chr14-94849100-T-A.
Other names: c.475A>T, p.Lys159Ter (NM_001002235.3, NM_001002236.3, NM_001127700.2 and 7 more transcripts); short protein forms K159*.
Identifiers: ClinVar variation 2678662 (VCV002678662.4), dbSNP rs2504776911, ClinGen allele CA390849783.